The following is an entry in ClinVar:

ClinVar aggregate classification (germline): Uncertain significance (1 of 4 stars; one submission).

Conditions:
Neurodevelopmental disorder with or without early-onset generalized epilepsy. Identifiers: MedGen C5436914, MONDO:0030930, OMIM 619157.

Allele frequency attached by ClinVar (database versions not stated): TOPMed below 0.00001; gnomAD 0.00001.
gnomAD v4.1: 1 of 1,613,520 alleles (0.000062%); highest among the groups gnomAD compares: Non-Finnish European, 0.000085%; no homozygotes.

Submission:

Laboratorio de Genetica e Diagnostico Molecular, Hospital Israelita Albert Einstein
Classification: Uncertain significance for Neurodevelopmental disorder with or without early-onset generalized epilepsy. Last evaluated: 2021-10-29. Review status: criteria provided, single submitter. Criteria: ACMG Guidelines, 2015. Collection method: clinical testing. Allele origin: germline. Affected: yes.
Comment: ACMG classification criteria: PM2 moderate, BP4 supporting

NM_001385012.1(NBEA):c.5257G>A (p.Ala1753Thr)

Gene: NBEA (neurobeachin; plus strand). Cytogenetic location: 13q13.3.
Variant type: single nucleotide variant.
Coding change: c.5257G>A on transcript NM_001385012.1 (MANE Select); coding-DNA position 5257, G replaced by A.
Protein change: p.Ala1753Thr; replaces alanine 1753 with threonine.
Molecular consequence: missense variant.
Genome position (GRCh38, 1-based): chr13:35,196,193, G>A. VCF-style: chr13-35196193-G-A. GRCh37 (hg19) VCF-style: chr13-35770330-G-A.
Other names: c.5248G>A, p.Ala1750Thr (NM_001379245.1); c.5257G>A, p.Ala1753Thr (NM_015678.5); short protein forms A1750T, A1753T.
Identifiers: ClinVar variation 1683679 (VCV001683679.2), dbSNP rs1315495138, ClinGen allele CA387834615.